The following is an entry in ClinVar:

ClinVar aggregate classification (germline): Uncertain significance (1 of 4 stars; one submission).

Submission:

Labcorp Genetics (formerly Invitae), Labcorp
Classification: Uncertain significance. Last evaluated: 2025-02-16. Review status: criteria provided, single submitter. Criteria: Invitae Variant Classification Sherloc (09022015). Collection method: clinical testing. Allele origin: germline.
Comment: This sequence change creates a premature translational stop signal (p.Trp378*) in the CARD8 gene. It is expected to result in an absent or disrupted protein product. However, the current clinical and genetic evidence is not sufficient to establish whether loss-of-function variants in CARD8 cause disease. This variant is not present in population databases (gnomAD no frequency). This variant has not been reported in the literature in individuals affected with CARD8-related conditions. Algorithms developed to predict the effect of sequence changes on RNA splicing suggest that this variant may disrupt the consensus splice site. In summary, the available evidence is currently insufficient to determine the role of this variant in disease. Therefore, it has been classified as a Variant of Uncertain Significance.

NM_001184900.3(CARD8):c.1284G>A (p.Trp428Ter)

Gene: CARD8 (caspase recruitment domain family member 8; minus strand). Cytogenetic location: 19q13.33.
Variant type: single nucleotide variant.
Coding change: c.1284G>A on transcript NM_001184900.3 (MANE Select); coding-DNA position 1284, G replaced by A.
Protein change: p.Trp428Ter; replaces tryptophan 428 with a stop codon.
Molecular consequence: nonsense. On other transcripts: non-coding transcript variant (2), intron variant (7).
Genome position (GRCh38, 1-based): chr19:48,218,890, C>T on the plus strand (G>A on the coding strand, the complement: CARD8 is on the minus strand). VCF-style: chr19-48218890-C-T. GRCh37 (hg19) VCF-style: chr19-48722147-C-T.
Other names: c.1134G>A, p.Trp378Ter (NM_001184901.1, NM_001351783.2, NM_014959.5); c.1284G>A, p.Trp428Ter (NM_001351782.2); c.969G>A, p.Trp323Ter (NM_001351784.2, NM_001351787.2); c.948G>A, p.Trp316Ter (NM_001351786.2); c.966G>A, p.Trp322Ter (NM_001365950.1); c.846+2840G>A (NM_001351791.2, NM_001351792.2); c.1011+2840G>A (NM_001351788.2, NM_001351789.2); c.918+2840G>A (NM_001351790.2); and 1 more; short protein forms W316*, W322*, W378*, W428*, W323*.
Identifiers: ClinVar variation 4703587 (VCV004703587.1).